The following is an entry in ClinVar:

NM_001457.4(FLNB):c.2702A>T (p.Asn901Ile)

Gene: FLNB (filamin B; plus strand). Cytogenetic location: 3p14.3.
Variant type: single nucleotide variant.
Coding change: c.2702A>T on transcript NM_001457.4 (MANE Select); coding-DNA position 2702, A replaced by T.
Protein change: p.Asn901Ile; replaces asparagine 901 with isoleucine.
Molecular consequence: missense variant.
Genome position (GRCh38, 1-based): chr3:58,112,275, A>T. VCF-style: chr3-58112275-A-T. GRCh37 (hg19) VCF-style: chr3-58098002-A-T.
Other names: c.2702A>T, p.Asn901Ile (NM_001164319.2, NM_001164317.2, NM_001164318.2); short protein forms N901I.
Identifiers: ClinVar variation 3635712 (VCV003635712.2).

ClinVar aggregate classification (germline): Uncertain significance (1 of 4 stars; one submission).

Submission:

Labcorp Genetics (formerly Invitae), Labcorp
Classification: Uncertain significance. Last evaluated: 2024-09-29. Review status: criteria provided, single submitter. Criteria: Invitae Variant Classification Sherloc (09022015). Collection method: clinical testing. Allele origin: germline.
Comment: This sequence change replaces asparagine, which is neutral and polar, with isoleucine, which is neutral and non-polar, at codon 901 of the FLNB protein (p.Asn901Ile). This variant is not present in population databases (gnomAD no frequency). This variant has not been reported in the literature in individuals affected with FLNB-related conditions. Invitae Evidence Modeling of protein sequence and biophysical properties (such as structural, functional, and spatial information, amino acid conservation, physicochemical variation, residue mobility, and thermodynamic stability) indicates that this missense variant is not expected to disrupt FLNB protein function with a negative predictive value of 95%. In summary, the available evidence is currently insufficient to determine the role of this variant in disease. Therefore, it has been classified as a Variant of Uncertain Significance.